The following is an entry in ClinVar:

NM_002519.3(NPAT):c.1705T>C (p.Ser569Pro)

Gene: NPAT (nuclear protein, coactivator of histone transcription; minus strand). Cytogenetic location: 11q22.3.
Variant type: single nucleotide variant.
Coding change: c.1705T>C on transcript NM_002519.3 (MANE Select); coding-DNA position 1705, T replaced by C.
Protein change: p.Ser569Pro; replaces serine 569 with proline.
Molecular consequence: missense variant.
Genome position (GRCh38, 1-based): chr11:108,173,279, A>G on the plus strand (T>C on the coding strand, the complement: NPAT is on the minus strand). VCF-style: chr11-108173279-A-G. GRCh37 (hg19) VCF-style: chr11-108044006-A-G.
Other names: c.1705T>C, p.Ser569Pro (NM_001321307.1); short protein forms S569P.
Identifiers: ClinVar variation 1778443 (VCV001778443.2), dbSNP rs902362311, ClinGen allele CA228384425.

ClinVar aggregate classification (germline): Uncertain significance (1 of 4 stars; one submission).

Allele frequency attached by ClinVar (database versions not stated): gnomAD 0.00001.
gnomAD v4.1: 1 of 1,611,516 alleles (0.000062%); highest among the groups gnomAD compares: Admixed American, 0.0017%; no homozygotes.

Submission:

Ambry Genetics
Classification: Uncertain significance. Last evaluated: 2021-09-26. Review status: criteria provided, single submitter. Criteria: Ambry Variant Classification Scheme 2023. Collection method: clinical testing. Allele origin: germline.
Comment: The p.S569P variant (also known as c.1705T>C), located in coding exon 13 of the NPAT gene, results from a T to C substitution at nucleotide position 1705. The serine at codon 569 is replaced by proline, an amino acid with similar properties. This amino acid position is conserved. In addition, this alteration is predicted to be tolerated by in silico analysis. Since supporting evidence is limited at this time, the clinical significance of this alteration remains unclear.